The following is an entry in ClinVar:

NM_000264.5(PTCH1):c.1896C>A (p.Asp632Glu)

Genes: PTCH1 (patched 1; minus strand), LOC100507346 (uncharacterized LOC100507346; plus strand). Cytogenetic location: 9q22.32.
Variant type: single nucleotide variant.
Coding change: c.1896C>A on transcript NM_000264.5 (MANE Select); coding-DNA position 1896, C replaced by A.
Protein change: p.Asp632Glu; replaces aspartic acid 632 with glutamic acid.
Molecular consequence: missense variant. On other transcripts: non-coding transcript variant (2).
Genome position (GRCh38, 1-based): chr9:95,469,105, G>T on the plus strand (C>A on the coding strand, the complement: PTCH1 is on the minus strand). VCF-style: chr9-95469105-G-T. GRCh37 (hg19) VCF-style: chr9-98231387-G-T.
Other names: c.1698C>A, p.Asp566Glu (NM_001083602.3); c.1893C>A, p.Asp631Glu (NM_001083603.3); c.1443C>A, p.Asp481Glu (NM_001083604.3, NM_001083605.3, NM_001083606.3 and 1 more transcripts); c.1740C>A, p.Asp580Glu (NM_001354918.2); short protein forms D481E, D580E, D632E, D566E, D631E.
Identifiers: ClinVar variation 1442281 (VCV001442281.10), dbSNP rs2118057608, ClinGen allele CA374116094.
Genomic context (GRCh38, chr9:95,469,105, plus strand): 5'-ATGGGCAAAGCTGTGGCTGCTGTAGGGAGGTGGGGGGCTGTAGCGGGTATTGTCGTGTGT[G>T]TCGGTGTAGGCCTGAGGTTCAACCTGAATCACTCTGCTGACGCAGGGGCTGAAAGGAGGG-3'
Protein context (NP_000255.2, residues 622-642): VIQVEPQAYT[Asp632Glu]THDNTRYSPP

ClinVar aggregate classification (germline): Conflicting classifications of pathogenicity. Review status: criteria provided, conflicting classifications (1 of 4 stars). 2 submissions from 2 submitters: Uncertain significance (1); Likely benign (1). Last evaluated 2023-09-29.

Conditions:
Gorlin syndrome. Also called: Basal cell nevus syndrome; Nevoid Basal Cell Carcinoma Syndrome. Identifiers: Orphanet 377, MedGen C0004779, MONDO:0007187.
Hereditary cancer-predisposing syndrome. Also called: Tumor predisposition; Hereditary neoplastic syndrome; Hereditary Cancer Syndrome; Neoplastic Syndromes, Hereditary. Identifiers: Orphanet 140162, MedGen C0027672, MeSH D009386, MONDO:0015356.

Submissions (2):

Labcorp Genetics (formerly Invitae), Labcorp
Classification: Uncertain significance for Gorlin syndrome. Last evaluated: 2023-09-29. Review status: criteria provided, single submitter. Criteria: Invitae Variant Classification Sherloc (09022015). Collection method: clinical testing. Allele origin: germline.
Comment: This sequence change replaces aspartic acid, which is acidic and polar, with glutamic acid, which is acidic and polar, at codon 632 of the PTCH1 protein (p.Asp632Glu). This variant is not present in population databases (gnomAD no frequency). This variant has not been reported in the literature in individuals affected with PTCH1-related conditions. ClinVar contains an entry for this variant (Variation ID: 1442281). Advanced modeling of protein sequence and biophysical properties (such as structural, functional, and spatial information, amino acid conservation, physicochemical variation, residue mobility, and thermodynamic stability) performed at Invitae indicates that this missense variant is not expected to disrupt PTCH1 protein function. In summary, the available evidence is currently insufficient to determine the role of this variant in disease. Therefore, it has been classified as a Variant of Uncertain Significance.

Ambry Genetics
Classification: Likely benign for Hereditary cancer-predisposing syndrome. Last evaluated: 2022-07-01. Review status: criteria provided, single submitter. Criteria: Ambry Variant Classification Scheme 2023. Collection method: clinical testing. Allele origin: germline.